The following is an entry in ClinVar:

NM_001374385.1(ATP8B1):c.287C>G (p.Ala96Gly)

Gene: ATP8B1 (ATPase phospholipid transporting 8B1; minus strand). Cytogenetic location: 18q21.31.
Variant type: single nucleotide variant.
Coding change: c.287C>G on transcript NM_001374385.1 (MANE Select); coding-DNA position 287, C replaced by G.
Protein change: p.Ala96Gly; replaces alanine 96 with glycine.
Molecular consequence: missense variant.
Genome position (GRCh38, 1-based): chr18:57,704,661, G>C on the plus strand (C>G on the coding strand, the complement: ATP8B1 is on the minus strand). VCF-style: chr18-57704661-G-C. GRCh37 (hg19) VCF-style: chr18-55371893-G-C.
Other names: c.137C>G, p.Ala46Gly (NM_001374386.1); c.287C>G, p.Ala96Gly (NM_005603.6); short protein forms A46G, A96G.
Identifiers: ClinVar variation 4846608 (VCV004846608.1).

ClinVar aggregate classification (germline): Uncertain significance (1 of 4 stars; one submission).

Conditions:
Familial intrahepatic cholestasis. Identifiers: Orphanet 284385, MedGen CN296401, MONDO:0017290.

gnomAD v4.1: 2 of 1,584,442 alleles (0.00013%); highest among the groups gnomAD compares: Non-Finnish European, 0.00017%; no homozygotes.

Submission:

Genomenon, Inc
Classification: Uncertain significance for Familial intrahepatic cholestasis. Last evaluated: 2026-04-14. Review status: criteria provided, single submitter. Criteria: Genomenon Sequence Variant Interpretation Standards - Updated. Collection method: curation. Allele origin: germline. Affected: no.
Comment: ATP8B1 p.Ala96Gly (c.287C>G) is a missense variant that changes the amino acid at residue 96 from Alanine to Glycine. This variant has been reported in the published literature (PMID:34828443). It is absent or not present at a significant frequency in gnomAD. In conclusion, we classify ATP8B1 p.Ala96Gly (c.287C>G) as a variant of uncertain significance.

Literature cited by the submitters: PubMed 34828443.